The following is an entry in ClinVar:

NM_001048174.2(MUTYH):c.980T>C (p.Val327Ala)

Gene: MUTYH (mutY DNA glycosylase; minus strand). Cytogenetic location: 1p34.1.
Variant type: single nucleotide variant.
Coding change: c.980T>C on transcript NM_001048174.2 (MANE Select); coding-DNA position 980, T replaced by C.
Protein change: p.Val327Ala; replaces valine 327 with alanine.
Molecular consequence: missense variant. On other transcripts: non-coding transcript variant (7).
Genome position (GRCh38, 1-based): chr1:45,331,783, A>G on the plus strand (T>C on the coding strand, the complement: MUTYH is on the minus strand). VCF-style: chr1-45331783-A-G. GRCh37 (hg19) VCF-style: chr1-45797455-A-G.
Other names: c.1022T>C, p.Val341Ala (NM_001407083.1, NM_001407085.1); c.983T>C, p.Val328Ala (NM_001407086.1, NM_001407078.1, NM_001048172.2 and 1 more transcripts); c.1001T>C, p.Val334Ala (NM_001407087.1); c.980T>C, p.Val327Ala (NM_001407088.1, NM_001407089.1, NM_001407081.1 and 6 more transcripts); c.704T>C, p.Val235Ala (NM_001407091.1, NM_001293192.2, NM_001293196.2); c.1055T>C, p.Val352Ala (NM_012222.3); c.941T>C, p.Val314Ala (NM_001407079.1); c.938T>C, p.Val313Ala (NM_001407080.1); and 5 more; short protein forms V212A, V328A, V341A, V352A, V235A, V299A, V327A, V334A.
Identifiers: ClinVar variation 4112826 (VCV004112826.1).

ClinVar aggregate classification (germline): Uncertain significance (1 of 4 stars; one submission).

Conditions:
Hereditary cancer-predisposing syndrome. Also called: Tumor predisposition; Neoplastic Syndromes, Hereditary; Hereditary neoplastic syndrome; Hereditary Cancer Syndrome. Identifiers: Orphanet 140162, MedGen C0027672, MeSH D009386, MONDO:0015356.

gnomAD v4.1: 2 of 1,613,086 alleles (0.00012%); highest among the groups gnomAD compares: Non-Finnish European, 0.00017%; no homozygotes.

Submission:

Ambry Genetics
Classification: Uncertain significance for Hereditary cancer-predisposing syndrome. Last evaluated: 2025-08-27. Review status: criteria provided, single submitter. Criteria: Ambry Variant Classification Scheme 2023. Collection method: clinical testing. Allele origin: germline.
Comment: The p.V355A variant (also known as c.1064T>C), located in coding exon 12 of the MUTYH gene, results from a T to C substitution at nucleotide position 1064. The valine at codon 355 is replaced by alanine, an amino acid with similar properties. This amino acid position is conserved. In addition, the in silico prediction for this alteration is inconclusive. Based on the available evidence, the clinical significance of this variant remains unclear.